The following is an entry in ClinVar:

ClinVar aggregate classification (germline): Uncertain significance (1 of 4 stars; one submission).

gnomAD v4.1: 5 of 1,613,908 alleles (0.00031%); highest among the groups gnomAD compares: East Asian, 0.0045%; no homozygotes.

Submission:

Ambry Genetics
Classification: Uncertain significance. Last evaluated: 2024-12-05. Review status: criteria provided, single submitter. Criteria: Ambry Variant Classification Scheme 2023. Collection method: clinical testing. Allele origin: germline.
Comment: The p.V845A variant (also known as c.2534T>C), located in coding exon 17 of the CTNNA3 gene, results from a T to C substitution at nucleotide position 2534. The valine at codon 845 is replaced by alanine, an amino acid with similar properties. This amino acid position is conserved. In addition, the in silico prediction for this alteration is inconclusive. Based on the available evidence, the clinical significance of this variant remains unclear.

NM_013266.4(CTNNA3):c.2534T>C (p.Val845Ala)

Gene: CTNNA3 (catenin alpha 3; minus strand). Cytogenetic location: 10q21.3.
Variant type: single nucleotide variant.
Coding change: c.2534T>C on transcript NM_013266.4 (MANE Select); coding-DNA position 2534, T replaced by C.
Protein change: p.Val845Ala; replaces valine 845 with alanine.
Molecular consequence: missense variant.
Genome position (GRCh38, 1-based): chr10:65,920,484, A>G on the plus strand (T>C on the coding strand, the complement: CTNNA3 is on the minus strand). VCF-style: chr10-65920484-A-G. GRCh37 (hg19) VCF-style: chr10-67680242-A-G.
Other names: c.2534T>C, p.Val845Ala (NM_001127384.3); short protein forms V845A.
Identifiers: ClinVar variation 3498324 (VCV003498324.1).
Genomic context (GRCh38, chr10:65,920,484, plus strand): 5'-TCTGGCTTCTCTCTTTTAATCAAGGGTTTTTTTGCAGGAGCCTTCATTCTCCACATCACA[A>G]CTGGGTGCCGGGGCCCAGCAGGACTCTGGATTCGGATGATCTTGGTTGAGGCAATGTAAG-3'
Protein context (NP_037398.2, residues 835-855): IQSPAGPRHP[Val845Ala]VMWRMKAPAK